The following is an entry in ClinVar:

NM_000038.6(APC):c.1191C>G (p.Asp397Glu)

Gene: APC (APC regulator of Wnt signaling pathway; plus strand). Cytogenetic location: 5q22.2.
Variant type: single nucleotide variant.
Coding change: c.1191C>G on transcript NM_000038.6 (MANE Select); coding-DNA position 1191, C replaced by G.
Protein change: p.Asp397Glu; replaces aspartic acid 397 with glutamic acid.
Molecular consequence: missense variant. On other transcripts: non-coding transcript variant (2), intron variant (15).
Genome position (GRCh38, 1-based): chr5:112,819,223, C>G. VCF-style: chr5-112819223-C-G. GRCh37 (hg19) VCF-style: chr5-112154920-C-G.
Other names: c.1191C>G, p.Asp397Glu (NM_001127510.3, NM_001354895.2, NM_001354896.2 and 4 more transcripts); c.1137C>G, p.Asp379Glu (NM_001127511.3); c.1221C>G, p.Asp407Glu (NM_001354897.2, NM_001407446.1); c.1116C>G, p.Asp372Glu (NM_001354898.2, NM_001407451.1); c.1107C>G, p.Asp369Glu (NM_001354899.2, NM_001407452.1); c.1014C>G, p.Asp338Glu (NM_001354900.2, NM_001354901.2, NM_001407453.1); c.342C>G, p.Asp114Glu (NM_001354906.2, NM_001407470.1); c.85-46C>G (NM_001407472.1, NM_001407471.1); and 5 more; short protein forms D114E, D338E, D369E, D372E, D379E, D397E, D407E.
Identifiers: ClinVar variation 4801443 (VCV004801443.1).

ClinVar aggregate classification (germline): Uncertain significance (1 of 4 stars; one submission).

Conditions:
Familial adenomatous polyposis 1 (FAP1). Also called: FAMILIAL ADENOMATOUS POLYPOSIS 1, ATTENUATED; POLYPOSIS, ADENOMATOUS INTESTINAL. Identifiers: MedGen C2713442, MONDO:0021056, OMIM 175100. Disease mechanism: loss of function.

Submission:

Labcorp Genetics (formerly Invitae), Labcorp
Classification: Uncertain significance for Familial adenomatous polyposis 1. Last evaluated: 2025-08-03. Review status: criteria provided, single submitter. Criteria: Invitae Variant Classification Sherloc (09022015). Collection method: clinical testing. Allele origin: germline.
Comment: This sequence change replaces aspartic acid, which is acidic and polar, with glutamic acid, which is acidic and polar, at codon 397 of the APC protein (p.Asp397Glu). This variant is not present in population databases (gnomAD no frequency). This variant has not been reported in the literature in individuals affected with APC-related conditions. Invitae Evidence Modeling of protein sequence and biophysical properties (such as structural, functional, and spatial information, amino acid conservation, physicochemical variation, residue mobility, and thermodynamic stability) indicates that this missense variant is not expected to disrupt APC protein function with a negative predictive value of 95%. In summary, the available evidence is currently insufficient to determine the role of this variant in disease. Therefore, it has been classified as a Variant of Uncertain Significance.